The following is an entry in ClinVar:

ClinVar aggregate classification (germline): Uncertain significance. Review status: criteria provided, multiple submitters, no conflicts (2 of 4 stars). 3 submissions from 3 submitters: Uncertain significance (3). Last evaluated 2025-03-17.

Conditions:
Inborn genetic diseases. Identifiers: MedGen C0950123, MeSH D030342.

Allele frequency attached by ClinVar (database versions not stated): ExAC 0.00001; gnomAD exomes 0.00001; TOPMed 0.00001.
gnomAD v4.1: 20 of 1,611,586 alleles (0.0012%); highest among the groups gnomAD compares: Admixed American, 0.0017%; no homozygotes.

Submissions (3):

Labcorp Genetics (formerly Invitae), Labcorp
Classification: Uncertain significance. Last evaluated: 2025-03-17. Review status: criteria provided, single submitter. Criteria: Invitae Variant Classification Sherloc (09022015). Collection method: clinical testing. Allele origin: germline.
Comment: This sequence change replaces asparagine, which is neutral and polar, with serine, which is neutral and polar, at codon 189 of the RBP4 protein (p.Asn189Ser). This variant is present in population databases (rs750356617, gnomAD 0.003%). This missense change has been observed in individual(s) with Leber congenital amaurosis (PMID: 36011402). ClinVar contains an entry for this variant (Variation ID: 839508). An algorithm developed to predict the effect of missense changes on protein structure and function (PolyPhen-2) suggests that this variant is likely to be tolerated. In summary, the available evidence is currently insufficient to determine the role of this variant in disease. Therefore, it has been classified as a Variant of Uncertain Significance.

Blueprint Genetics
Classification: Uncertain significance. Last evaluated: 2023-08-17. Review status: criteria provided, single submitter. Criteria: ACMG Guidelines, 2015. Collection method: clinical testing. Allele origin: germline.

Ambry Genetics
Classification: Uncertain significance for Inborn genetic diseases. Last evaluated: 2021-12-03. Review status: criteria provided, single submitter. Criteria: Ambry Variant Classification Scheme 2023. Collection method: clinical testing. Allele origin: germline.

Literature cited by the submitters: PubMed 36011402 (cited by Labcorp Genetics (formerly Invitae), Labcorp).

NM_006744.4(RBP4):c.566A>G (p.Asn189Ser)

Gene: RBP4 (retinol binding protein 4; minus strand). Cytogenetic location: 10q23.33.
Variant type: single nucleotide variant.
Coding change: c.566A>G on transcript NM_006744.4 (MANE Select); coding-DNA position 566, A replaced by G.
Protein change: p.Asn189Ser; replaces asparagine 189 with serine.
Molecular consequence: missense variant.
Genome position (GRCh38, 1-based): chr10:93,593,825, T>C on the plus strand (A>G on the coding strand, the complement: RBP4 is on the minus strand). VCF-style: chr10-93593825-T-C. GRCh37 (hg19) VCF-style: chr10-95353582-T-C.
Other names: c.566A>G, p.Asn189Ser (NM_001323517.1); c.560A>G, p.Asn187Ser (NM_001323518.2); short protein forms N187S, N189S.
Identifiers: ClinVar variation 839508 (VCV000839508.11), dbSNP rs750356617, ClinGen allele CA5609513.